The following is an entry in ClinVar:

NC_000015.10:g.(?_34341948)_(34343093_?)dup

Gene: NOP10 (NOP10 ribonucleoprotein; minus strand). Cytogenetic location: 15q14.
Variant type: Duplication.
Identifiers: ClinVar variation 830917 (VCV000830917.1).

ClinVar aggregate classification (germline): Uncertain significance (1 of 4 stars; one submission).

Conditions:
Dyskeratosis congenita, autosomal recessive 1. Identifiers: Orphanet 1775, MedGen C1857144, MONDO:0009136, OMIM 224230.

Submission:

Labcorp Genetics (formerly Invitae), Labcorp
Classification: Uncertain significance for Dyskeratosis congenita autosomal recessive 1. Last evaluated: 2019-02-16. Review status: criteria provided, single submitter. Criteria: Invitae Variant Classification Sherloc (09022015). Collection method: clinical testing. Allele origin: germline.
Comment: This variant results in a copy number gain of the genomic region encompassing the full coding sequence of the NOP10 gene. The boundaries of this event are unknown as they extend beyond the assayed region for this gene and therefore may encompass additional genes. As the precise location of this event is unknown, it may be in tandem or it may be located elsewhere in the genome. This variant has not been reported in the literature in individuals with NOP10-related conditions. In summary, the available evidence is currently insufficient to determine the role of this variant in disease. Therefore, it has been classified as a Variant of Uncertain Significance.